The following is an entry in ClinVar:

ClinVar aggregate classification (germline): Likely benign (1 of 4 stars; one submission).

Submission:

Women's Health and Genetics/Laboratory Corporation of America, LabCorp
Classification: Likely benign. Last evaluated: 2026-02-12. Review status: criteria provided, single submitter. Criteria: LabCorp Variant Classification Summary - May 2015. Collection method: clinical testing. Allele origin: germline.
Comment: Variant summary: NLRP12 c.1204_1206delinsCTG (p.Phe402Leu) results in a non-conservative amino acid change in the encoded protein sequence. Algorithms developed to predict the effect of missense changes on protein structure and function all suggest that this variant is likely to be disruptive. The variant allele was found at a frequency of 0.0001 in 282778 control chromosomes. The observed variant frequency exceeds the estimated maximal expected allele frequency for disease-causing variants in NLRP12. To our knowledge, no occurrence of c.1204_1206delinsCTG in individuals affected with NLRP12-related conditions and no experimental evidence demonstrating its impact on protein function have been reported. No submitters have cited clinical-significance assessments for this variant to ClinVar. Based on the evidence outlined above, the variant was classified as likely benign.

NM_144687.4(NLRP12):c.1204_1206delinsCTG (p.Phe402Leu)

Gene: NLRP12 (NLR family pyrin domain containing 12; minus strand). Cytogenetic location: 19q13.42.
Variant type: Indel.
Coding change: c.1204_1206delinsCTG on transcript NM_144687.4 (MANE Select); coding-DNA positions 1204 to 1206, TTC replaced by CTG.
Protein change: p.Phe402Leu; replaces phenylalanine 402 with leucine.
Molecular consequence: missense variant.
Genome position (GRCh38, 1-based): chr19:53,810,453-53,810,455, GAA replaced by CAG on the plus strand (TTC replaced by CTG on the coding strand, the reverse complement: NLRP12 is on the minus strand). VCF-style: chr19-53810453-GAA-CAG. GRCh37 (hg19) VCF-style: chr19-54313707-GAA-CAG.
Other names: c.1204_1206delinsCTG, p.Phe402Leu (NM_001277126.2, NM_001277129.1); short protein forms F402L.
Identifiers: ClinVar variation 4847870 (VCV004847870.1).